The following is an entry in ClinVar:

ClinVar aggregate classification (germline): Pathogenic (1 of 4 stars; one submission).

Conditions:
GNE myopathy (NM). Also called: INCLUSION BODY MYOPATHY 2, AUTOSOMAL RECESSIVE; MYOPATHY, DISTAL, WITH OR WITHOUT RIMMED VACUOLES; IBM 2; Inclusion body myopathy autosomal recessive; Inclusion body myopathy quadriceps sparing; NONAKA DISTAL MYOPATHY. Identifiers: Orphanet 602, MedGen C1853926, MONDO:0011603, OMIM 605820.

Submission:

Myriad Genetics, Inc.
Classification: Pathogenic for GNE myopathy. Last evaluated: 2024-08-03. Review status: criteria provided, single submitter. Criteria: Myriad Autosomal Dominant, Autosomal Recessive and X-Linked Classification Criteria (2023). Collection method: clinical testing. Allele origin: unknown.
Comment: NM_001128227.2(GNE):c.1258_1266del9ins1(F420Sfs*10) is expected to be pathogenic in the context of GNE myopathy. This variant is predicted to lead to an abnormal or absent protein product due to the creation of a premature termination codon in GNE, a gene where loss-of-function variants are known to be pathogenic. Please note: this variant was assessed in the context of healthy population screening.

NM_005476.7(GNE):c.1165_1173delinsA (p.Phe389fs)

Gene: GNE (glucosamine (UDP-N-acetyl)-2-epimerase/N-acetylmannosamine kinase; minus strand). Cytogenetic location: 9p13.3.
Variant type: Indel.
Coding change: c.1165_1173delinsA on transcript NM_005476.7 (MANE Select); coding-DNA positions 1165 to 1173, TTTCCTCCT replaced by A.
Protein change: p.Phe389fs; shifts the reading frame from phenylalanine 389.
Molecular consequence: frameshift variant.
Genome position (GRCh38, 1-based): chr9:36,227,356-36,227,364, AGGAGGAAA replaced by T on the plus strand (TTTCCTCCT replaced by A on the coding strand, the reverse complement: GNE is on the minus strand). VCF-style: chr9-36227356-AGGAGGAAA-T. GRCh37 (hg19) VCF-style: chr9-36227353-AGGAGGAAA-T.
Other names: c.1258_1266delinsA, p.Phe420fs (NM_001128227.3); c.1165_1173delinsA, p.Phe389fs (NM_001190383.3); c.835_843delinsA, p.Phe279fs (NM_001190384.3); c.988_996delinsA, p.Phe330fs (NM_001190388.2, NM_001374798.1); c.1012_1020delinsA, p.Phe338fs (NM_001374797.1); short protein forms F279fs, F330fs, F338fs, F389fs, F420fs.
Identifiers: ClinVar variation 5013416 (VCV005013416.1).